The following is an entry in ClinVar:

NM_000440.3(PDE6A):c.1439G>T (p.Trp480Leu)

Gene: PDE6A (phosphodiesterase 6A; minus strand). Cytogenetic location: 5q32.
Variant type: single nucleotide variant.
Coding change: c.1439G>T on transcript NM_000440.3 (MANE Select); coding-DNA position 1439, G replaced by T.
Protein change: p.Trp480Leu; replaces tryptophan 480 with leucine.
Molecular consequence: missense variant.
Genome position (GRCh38, 1-based): chr5:149,896,745, C>A on the plus strand (G>T on the coding strand, the complement: PDE6A is on the minus strand). VCF-style: chr5-149896745-C-A. GRCh37 (hg19) VCF-style: chr5-149276308-C-A.
Other names: short protein forms W480L.
Identifiers: ClinVar variation 1466615 (VCV001466615.8), dbSNP rs962591995, ClinGen allele CA129071202.

ClinVar aggregate classification (germline): Uncertain significance (1 of 4 stars; one submission).

Allele frequency attached by ClinVar (database versions not stated): gnomAD exomes below 0.00001 and 0.00001; TOPMed below 0.00001.
gnomAD v4.1: 4 of 1,614,212 alleles (0.00025%); highest among the groups gnomAD compares: Non-Finnish European, 0.00034%; no homozygotes.

Submission:

Labcorp Genetics (formerly Invitae), Labcorp
Classification: Uncertain significance. Last evaluated: 2021-04-29. Review status: criteria provided, single submitter. Criteria: Invitae Variant Classification Sherloc (09022015). Collection method: clinical testing. Allele origin: germline.
Comment: This sequence change replaces tryptophan with leucine at codon 480 of the PDE6A protein (p.Trp480Leu). The tryptophan residue is moderately conserved and there is a small physicochemical difference between tryptophan and leucine. In summary, the available evidence is currently insufficient to determine the role of this variant in disease. Therefore, it has been classified as a Variant of Uncertain Significance. Algorithms developed to predict the effect of missense changes on protein structure and function (SIFT, PolyPhen-2, Align-GVGD) all suggest that this variant is likely to be tolerated, but these predictions have not been confirmed by published functional studies and their clinical significance is uncertain. This variant has not been reported in the literature in individuals with PDE6A-related conditions. This variant is not present in population databases (ExAC no frequency).